The following is an entry in ClinVar:

NM_001286611.2(REPS1):c.338C>A (p.Ala113Glu)

Gene: REPS1 (RALBP1 associated Eps domain containing 1; minus strand). Cytogenetic location: 6q24.1.
Variant type: single nucleotide variant.
Coding change: c.338C>A on transcript NM_001286611.2 (MANE Select); coding-DNA position 338, C replaced by A.
Protein change: p.Ala113Glu; replaces alanine 113 with glutamic acid.
Molecular consequence: missense variant.
Genome position (GRCh38, 1-based): chr6:138,945,637, G>T on the plus strand (C>A on the coding strand, the complement: REPS1 is on the minus strand). VCF-style: chr6-138945637-G-T. GRCh37 (hg19) VCF-style: chr6-139266774-G-T.
Other names: RESP1, ALA113GLU (rs201191394); c.338C>A, p.Ala113Glu (NM_001128617.3, NM_001286612.2, NM_031922.5); short protein forms A113E.
Identifiers: ClinVar variation 503504 (VCV000503504.8), dbSNP rs201191394, ClinGen allele CA4024478.

ClinVar aggregate classification (germline): Conflicting classifications of pathogenicity. Review status: criteria provided, conflicting classifications (1 of 4 stars). 5 submissions from 5 submitters: Pathogenic (2); Uncertain significance (2). 1 of the submissions does not count toward it. Last evaluated 2026-03-05.

Conditions:
Neurodegeneration with brain iron accumulation 7. Identifiers: MedGen C4693583, MONDO:0054763, OMIM 617916.
Neurodegeneration with brain iron accumulation (NBIA). Identifiers: Orphanet 385, MedGen C2931845, MONDO:0018307.

Allele frequency attached by ClinVar (database versions not stated): ESP Exome Variant Server 0.00008; ExAC 0.00011; TOPMed 0.00017; gnomAD 0.00018 and 0.00020; gnomAD exomes 0.00012 and 0.00018.
gnomAD v4.1: 305 of 1,612,980 alleles (0.019%); highest among the groups gnomAD compares: Non-Finnish European, 0.021%; no homozygotes.

Submissions (5):

Mendelics
Classification: Pathogenic for Neurodegeneration with brain iron accumulation 7. Last evaluated: 2026-03-05. Review status: criteria provided, single submitter. Criteria: ACMG Guidelines, 2015. Collection method: clinical testing. Allele origin: unknown.
Comment: Likely pathogenic/Pathogenic according to ACMG criteria.

Dasa
Classification: Uncertain significance. Last evaluated: 2025-11-20. Review status: criteria provided, single submitter. Criteria: DASA Assertion Criteria. Collection method: clinical testing. Allele origin: germline.
Comment: NM_001286611.2(REPS1):c.338C>A (p.Ala113Glu) is a missense variant that results in the substitution of alanine with glutamic acid. This variant has been reported in individuals with REPS1-related disorders (PMID: 33407999). Also, this variant is rare in population databases. Computational prediction algorithms are consistent with a benign effect. The currently available literature and clinical evidence are not sufficient to establish a definitive association between this variant and the reported condition. Therefore, this variant is classified as a variant of uncertain significance.

Labcorp Genetics (formerly Invitae), Labcorp
Classification: Uncertain significance. Last evaluated: 2024-03-04. Review status: criteria provided, single submitter. Criteria: Invitae Variant Classification Sherloc (09022015). Collection method: clinical testing. Allele origin: germline.
Comment: This sequence change replaces alanine, which is neutral and non-polar, with glutamic acid, which is acidic and polar, at codon 113 of the REPS1 protein (p.Ala113Glu). This variant is present in population databases (rs201191394, gnomAD 0.03%). This missense change has been observed in individual(s) with clinical features of neurodegeneration with brain iron accumulation (PMID: 29395073). ClinVar contains an entry for this variant (Variation ID: 503504). Advanced modeling of protein sequence and biophysical properties (such as structural, functional, and spatial information, amino acid conservation, physicochemical variation, residue mobility, and thermodynamic stability) performed at Invitae indicates that this missense variant is not expected to disrupt REPS1 protein function with a negative predictive value of 80%. In summary, the available evidence is currently insufficient to determine the role of this variant in disease. Therefore, it has been classified as a Variant of Uncertain Significance.

Institut IMAGINE, Institut National de la Sante et de la Recherche Medicale
Classification: Pathogenic for Neurodegeneration with brain iron accumulation. Last evaluated: 2016-05-02. Review status: criteria provided, single submitter. Criteria: Submitter's publication. Collection method: research, in vitro. Allele origin: germline, not applicable. Affected: yes. Observed: 2 variant alleles, 2 compound heterozygotes. Clinical features observed: Progressive neurologic deterioration (HP:0002344).
Comment: The c.338C>A variant in REPS1 is a rare SNP (rs201191394 ), it is absent from 110 NBIA subjects and 200 control . It modifies a highly conseved amino acid (p.Ala113Glu). This variant was found in compound heterozygosity with c.232G>C.

OMIM
Classification: Pathogenic for NEURODEGENERATION WITH BRAIN IRON ACCUMULATION 7 (1 family). Last evaluated: 2018-03-27. Review status: no assertion criteria provided. Collection method: literature only. Allele origin: germline. Not counted in ClinVar's aggregate classification.

Literature cited by the submitters: PubMed 33407999 (cited by Dasa); PubMed 29395073 (cited by Labcorp Genetics (formerly Invitae), Labcorp and OMIM).